The following is an entry in ClinVar:

NM_000053.4(ATP7B):c.2712A>G (p.Glu904=)

Gene: ATP7B (ATPase copper transporting beta; minus strand). Cytogenetic location: 13q14.3.
Variant type: single nucleotide variant.
Coding change: c.2712A>G on transcript NM_000053.4 (MANE Select); coding-DNA position 2712, A replaced by G.
Protein change: p.Glu904=; no amino-acid change (glutamic acid 904 retained).
Molecular consequence: synonymous variant.
Genome position (GRCh38, 1-based): chr13:51,950,025, T>C on the plus strand (A>G on the coding strand, the complement: ATP7B is on the minus strand). VCF-style: chr13-51950025-T-C. GRCh37 (hg19) VCF-style: chr13-52524161-T-C.
Other names: c.2712A>G (NM_000053.3); c.2226A>G, p.Glu742= (NM_001005918.3); c.2379A>G, p.Glu793= (NM_001243182.2); c.2478A>G, p.Glu826= (NM_001330578.2); c.2460A>G, p.Glu820= (NM_001330579.2).
Identifiers: ClinVar variation 991419 (VCV000991419.17), dbSNP rs146232015, ClinGen allele CA6988936.

ClinVar aggregate classification (germline): Likely benign. Review status: criteria provided, multiple submitters, no conflicts (2 of 4 stars). 7 submissions from 7 submitters: Likely benign (5). 2 of the submissions do not count toward it. Last evaluated 2026-01-21.

Conditions:
ATP7B-related disorder. Also called: ATP7B-related condition.
Wilson disease (WND). Also called: Wilson's disease. Identifiers: Orphanet 905, MedGen C0019202, MONDO:0010200, OMIM 277900. Disease mechanism: loss of function.
Inborn genetic diseases. Identifiers: MedGen C0950123, MeSH D030342.

Allele frequency attached by ClinVar (database versions not stated): gnomAD 0.00001 and 0.00002; gnomAD exomes 0.00001; ExAC 0.00003; TOPMed 0.00003; ESP Exome Variant Server 0.00008; 1000 Genomes Project 30x 0.00016; 1000 Genomes Project 0.00020.
gnomAD v4.1: 19 of 1,614,250 alleles (0.0012%); highest among the groups gnomAD compares: Middle Eastern, 0.016%; no homozygotes.

Submissions (7):

Labcorp Genetics (formerly Invitae), Labcorp
Classification: Likely benign for Wilson disease. Last evaluated: 2026-01-21. Review status: criteria provided, single submitter. Criteria: Invitae Variant Classification Sherloc (09022015). Collection method: clinical testing. Allele origin: germline.

Ambry Genetics
Classification: Likely benign for Inborn genetic diseases. Last evaluated: 2024-01-29. Review status: criteria provided, single submitter. Criteria: Ambry Variant Classification Scheme 2023. Collection method: clinical testing. Allele origin: germline.

All of Us Research Program, National Institutes of Health
Classification: Likely benign for Wilson disease. Last evaluated: 2023-12-18. Review status: criteria provided, single submitter. Criteria: ACMG Guidelines, 2015. Collection method: clinical testing. Allele origin: germline. Inheritance: Autosomal recessive inheritance. Observed: 5 variant alleles, 5 heterozygotes.
Comment: This study involves interpretation of variants in research participants for the purpose of population health screening. Participant phenotype was not available at the time of variant classification. Additional details can be found in publication PMID: 35346344, PMCID: PMC8962531

Color Diagnostics, LLC DBA Color Health
Classification: Likely benign for Wilson disease. Last evaluated: 2022-04-22. Review status: criteria provided, single submitter. Criteria: ACMG Guidelines, 2015. Collection method: clinical testing. Allele origin: germline.

Genome-Nilou Lab
Classification: Likely benign for Wilson disease. Last evaluated: 2021-07-14. Review status: criteria provided, single submitter. Criteria: ACMG Guidelines, 2015. Collection method: clinical testing. Allele origin: germline. Affected: no.

Natera, Inc.
Classification: Uncertain significance for Wilson disease. Last evaluated: 2020-04-15. Review status: no assertion criteria provided. Collection method: clinical testing. Allele origin: germline. Not counted in ClinVar's aggregate classification.

PreventionGenetics, part of Exact Sciences
Classification: Likely benign for ATP7B-related condition. Last evaluated: 2019-04-04. Review status: no assertion criteria provided. Collection method: clinical testing. Allele origin: germline. Not counted in ClinVar's aggregate classification.
Comment: This variant is classified as likely benign based on ACMG/AMP sequence variant interpretation guidelines (Richards et al. 2015 PMID: 25741868, with internal and published modifications).